The following is an entry in ClinVar:

ClinVar aggregate classification (germline): Uncertain significance (1 of 4 stars; one submission).

Conditions:
Glycogen storage disease, type VI (GSD6). Also called: Glycogen storage disease type 6; Hepatic glycogen phosphorylase deficiency; Glycogen storage disease type 6, due to phosphorylation; GSD VI; HERS DISEASE; PHOSPHORYLASE DEFICIENCY GLYCOGEN-STORAGE DISEASE OF LIVER. Identifiers: Orphanet 369, MedGen C0017925, MONDO:0009294, OMIM 232700.

gnomAD v4.1: 2 of 1,614,174 alleles (0.00012%); highest among the groups gnomAD compares: Admixed American, 0.0033%; no homozygotes.

Submission:

Labcorp Genetics (formerly Invitae), Labcorp
Classification: Uncertain significance for Glycogen storage disease, type VI. Last evaluated: 2024-05-13. Review status: criteria provided, single submitter. Criteria: Invitae Variant Classification Sherloc (09022015). Collection method: clinical testing. Allele origin: germline.
Comment: This sequence change replaces arginine, which is basic and polar, with leucine, which is neutral and non-polar, at codon 387 of the PYGL protein (p.Arg387Leu). This variant is present in population databases (no rsID available, gnomAD 0.006%). This variant has not been reported in the literature in individuals affected with PYGL-related conditions. ClinVar contains an entry for this variant (Variation ID: 1722303). Advanced modeling of protein sequence and biophysical properties (such as structural, functional, and spatial information, amino acid conservation, physicochemical variation, residue mobility, and thermodynamic stability) performed at Invitae indicates that this missense variant is expected to disrupt PYGL protein function with a positive predictive value of 80%. In summary, the available evidence is currently insufficient to determine the role of this variant in disease. Therefore, it has been classified as a Variant of Uncertain Significance.

NM_002863.5(PYGL):c.1160G>T (p.Arg387Leu)

Gene: PYGL (glycogen phosphorylase L; minus strand). Cytogenetic location: 14q22.1.
Variant type: single nucleotide variant.
Coding change: c.1160G>T on transcript NM_002863.5 (MANE Select); coding-DNA position 1160, G replaced by T.
Protein change: p.Arg387Leu; replaces arginine 387 with leucine.
Molecular consequence: missense variant.
Genome position (GRCh38, 1-based): chr14:50,915,904, C>A on the plus strand (G>T on the coding strand, the complement: PYGL is on the minus strand). VCF-style: chr14-50915904-C-A. GRCh37 (hg19) VCF-style: chr14-51382622-C-A.
Other names: c.1058G>T, p.Arg353Leu (NM_001163940.2); short protein forms R353L, R387L.
Identifiers: ClinVar variation 1722303 (VCV001722303.5), dbSNP rs765731108, ClinGen allele CA389688645.